The following is an entry in ClinVar:

NM_198253.3(TERT):c.592G>A (p.Gly198Arg)

Gene: TERT (telomerase reverse transcriptase; minus strand). Cytogenetic location: 5p15.33.
Variant type: single nucleotide variant.
Coding change: c.592G>A on transcript NM_198253.3 (MANE Select); coding-DNA position 592, G replaced by A.
Protein change: p.Gly198Arg; replaces glycine 198 with arginine.
Molecular consequence: missense variant. On other transcripts: non-coding transcript variant (2).
Genome position (GRCh38, 1-based): chr5:1,294,294, C>T on the plus strand (G>A on the coding strand, the complement: TERT is on the minus strand). VCF-style: chr5-1294294-C-T. GRCh37 (hg19) VCF-style: chr5-1294409-C-T.
Other names: c.592G>A, p.Gly198Arg (NM_001193376.3); short protein forms G198R.
Identifiers: ClinVar variation 860925 (VCV000860925.10), dbSNP rs758442518, ClinGen allele CA3184950.

ClinVar aggregate classification (germline): Conflicting classifications of pathogenicity. Review status: criteria provided, conflicting classifications (1 of 4 stars). 2 submissions from 2 submitters: Uncertain significance (1); Likely benign (1). Last evaluated 2025-12-17.

Conditions:
Dyskeratosis congenita. Identifiers: Orphanet 1775, MedGen C0265965, MONDO:0015780.
Dyskeratosis congenita, autosomal dominant 2. Identifiers: MedGen C3151443, MONDO:0013521, OMIM 613989.
Idiopathic Pulmonary Fibrosis. Also called: Idiopathic fibrosing alveolitis, chronic form; idiopathic fibrosing alveolitis. Identifiers: Orphanet 2032, MedGen C1800706, MeSH D054990, MONDO:0800504.

Allele frequency attached by ClinVar (database versions not stated): gnomAD exomes 0.00002; ExAC 0.00003.
gnomAD v4.1: 7 of 1,594,334 alleles (0.00044%); highest among the groups gnomAD compares: East Asian, 0.016%; no homozygotes.

Submissions (2):

Labcorp Genetics (formerly Invitae), Labcorp
Classification: Likely benign for Dyskeratosis congenita, autosomal dominant 2; Idiopathic Pulmonary Fibrosis. Last evaluated: 2025-12-17. Review status: criteria provided, single submitter. Criteria: Invitae Variant Classification Sherloc (09022015). Collection method: clinical testing. Allele origin: germline.

Ambry Genetics
Classification: Uncertain significance for Dyskeratosis congenita. Last evaluated: 2025-11-05. Review status: criteria provided, single submitter. Criteria: Ambry Variant Classification Scheme 2023. Collection method: clinical testing. Allele origin: germline.
Comment: The p.G198R variant (also known as c.592G>A), located in coding exon 2 of the TERT gene, results from a G to A substitution at nucleotide position 592. The glycine at codon 198 is replaced by arginine, an amino acid with dissimilar properties. This amino acid position is conserved. In addition, the in silico prediction for this alteration is inconclusive. Based on the available evidence, the clinical significance of this variant remains unclear.